The following is an entry in ClinVar:

NM_012144.4(DNAI1):c.1638_1639del (p.Ser547fs)

Gene: DNAI1 (dynein axonemal intermediate chain 1; plus strand). Cytogenetic location: 9p13.3.
Variant type: Microsatellite.
Coding change: c.1638_1639del on transcript NM_012144.4 (MANE Select); coding-DNA positions 1638 to 1639, 2 bases deleted (GT; older notation c.1638_1639delGT).
Protein change: p.Ser547fs; shifts the reading frame from serine 547.
Molecular consequence: frameshift variant.
Genome position (GRCh38, 1-based): chr9:34,514,462-34,514,463, GT deleted; deleting any 2 consecutive bases within chr9:34,514,459-34,514,463 gives the same sequence; the c. name uses the placement nearest the transcript's 3' end. VCF-style (leftmost placement, unchanged base first): chr9-34514458-CTG-C. GRCh37 (hg19) VCF-style: chr9-34514456-CTG-C.
Other names: c.1650_1651del, p.Ser551fs (NM_001281428.2); c.1638_1639delGT (NM_012144.3); short protein forms S547fs, S551fs.
Identifiers: ClinVar variation 2829913 (VCV002829913.4), dbSNP rs748929117, ClinGen allele CA5034486.

ClinVar aggregate classification (germline): Pathogenic/Likely pathogenic. Review status: criteria provided, multiple submitters, no conflicts (2 of 4 stars). 2 submissions from 2 submitters: Pathogenic (1); Likely pathogenic (1). Last evaluated 2026-05-16.

Conditions:
Primary ciliary dyskinesia. Also called: Ciliary dyskinesia. Identifiers: Orphanet 244, MedGen C0008780, MONDO:0016575, HP:0012265.
DNAI1-related disorder. Also called: DNAI1-related condition.

Submissions (2):

PreventionGenetics, part of Exact Sciences
Classification: Likely pathogenic for DNAI1-related condition. Last evaluated: 2026-05-16. Review status: criteria provided, single submitter. Criteria: ACMG Guidelines, 2015. Collection method: clinical testing. Allele origin: germline.
Comment: The DNAI1 c.1638_1639delGT variant is predicted to result in a frameshift and premature protein termination (p.Ser547Leufs*33). To our knowledge, this variant has not been reported in the literature or in a large population database (gnomAD), indicating this variant is rare. Frameshift variants in DNAI1 are expected to be pathogenic. This variant is interpreted as likely pathogenic.

Labcorp Genetics (formerly Invitae), Labcorp
Classification: Pathogenic for Primary ciliary dyskinesia. Last evaluated: 2023-01-18. Review status: criteria provided, single submitter. Criteria: Invitae Variant Classification Sherloc (09022015). Collection method: clinical testing. Allele origin: germline.
Comment: This sequence change creates a premature translational stop signal (p.Ser547Leufs*33) in the DNAI1 gene. It is expected to result in an absent or disrupted protein product. Loss-of-function variants in DNAI1 are known to be pathogenic (PMID: 16858015, 29363216). This variant is present in population databases (rs748929117, gnomAD 0.0009%). This variant has not been reported in the literature in individuals affected with DNAI1-related conditions. For these reasons, this variant has been classified as Pathogenic.

Literature cited by the submitters: PubMed 16858015 (cited by Labcorp Genetics (formerly Invitae), Labcorp); PubMed 29363216 (cited by Labcorp Genetics (formerly Invitae), Labcorp).